The following is an entry in ClinVar:

NM_000246.4(CIITA):c.2945C>T (p.Ala982Val)

Gene: CIITA (class II major histocompatibility complex transactivator; plus strand). Cytogenetic location: 16p13.13.
Variant type: single nucleotide variant.
Coding change: c.2945C>T on transcript NM_000246.4 (MANE Select); coding-DNA position 2945, C replaced by T.
Protein change: p.Ala982Val; replaces alanine 982 with valine.
Molecular consequence: missense variant. On other transcripts: non-coding transcript variant (1).
Genome position (GRCh38, 1-based): chr16:10,915,626, C>T. VCF-style: chr16-10915626-C-T. GRCh37 (hg19) VCF-style: chr16-11009483-C-T.
Other names: c.2948C>T, p.Ala983Val (NM_001286402.1, NM_001379332.1); c.1193C>T, p.Ala398Val (NM_001286403.2); c.2801C>T, p.Ala934Val (NM_001379330.1); c.2798C>T, p.Ala933Val (NM_001379331.1); c.2945C>T, p.Ala982Val (NM_001379333.1); c.2876C>T, p.Ala959Val (NM_001379334.1); short protein forms A982V, A398V, A983V, A933V, A934V, A959V.
Identifiers: ClinVar variation 103002 (VCV000103002.2), dbSNP rs199476077, ClinGen allele CA229978.

ClinVar aggregate classification (germline): not provided (0 of 4 stars; one submission).

Allele frequency attached by ClinVar (database versions not stated): gnomAD 0.00001; TOPMed 0.00001.
gnomAD v4.1: 2 of 1,614,132 alleles (0.00012%); highest among the groups gnomAD compares: African/African-American, 0.0027%; no homozygotes.

Submission:

Human Evolutionary Genetics, Institut Pasteur
No classification provided. Review status: no classification provided. Collection method: not provided. Allele origin: germline.
ClinVar note: Converted during submission from untested to not provided.